The following is an entry in ClinVar:

ClinVar aggregate classification (germline): Conflicting classifications of pathogenicity. Review status: criteria provided, conflicting classifications (1 of 4 stars). 4 submissions from 4 submitters: Uncertain significance (3); Likely benign (1). Last evaluated 2024-03-09.

Conditions:
Hereditary breast ovarian cancer syndrome. Also called: Hereditary breast and ovarian cancer syndrome; Hereditary breast and ovarian cancer syndrome (HBOC); BRCA1- and BRCA2-Associated Hereditary Breast and Ovarian Cancer; Hereditary breast and/or ovarian cancer syndrome; Hereditary breast and ovarian cancer; Breast and ovarian cancer. Identifiers: Orphanet 145, MedGen C0677776, MeSH D061325, MONDO:0003582. Disease mechanism: loss of function.
Hereditary cancer-predisposing syndrome. Also called: Neoplastic Syndromes, Hereditary; Tumor predisposition; Hereditary neoplastic syndrome; Hereditary Cancer Syndrome. Identifiers: Orphanet 140162, MedGen C0027672, MeSH D009386, MONDO:0015356.

Allele frequency attached by ClinVar (database versions not stated): gnomAD exomes below 0.00001 and 0.00001; ExAC 0.00001.

Submissions (4):

Ambry Genetics
Classification: Uncertain significance for Hereditary cancer-predisposing syndrome. Last evaluated: 2024-03-09. Review status: criteria provided, single submitter. Criteria: Ambry Variant Classification Scheme 2023. Collection method: clinical testing. Allele origin: germline.
Comment: The p.F333S variant (also known as c.998T>C), located in coding exon 9 of the BRCA2 gene, results from a T to C substitution at nucleotide position 998. The phenylalanine at codon 333 is replaced by serine, an amino acid with highly dissimilar properties. This amino acid position is not well conserved in available vertebrate species. In addition, this alteration is predicted to be tolerated by in silico analysis. Based on the available evidence, the clinical significance of this alteration remains unclear.

Color Diagnostics, LLC DBA Color Health
Classification: Uncertain significance for Hereditary cancer-predisposing syndrome. Last evaluated: 2023-12-05. Review status: criteria provided, single submitter. Criteria: ACMG Guidelines, 2015. Collection method: clinical testing. Allele origin: germline.
Comment: This missense variant replaces phenylalanine with serine at codon 333 of the BRCA2 protein. Computational prediction suggests that this variant may not impact protein structure and function (internally defined REVEL score threshold <= 0.5, PMID: 27666373). To our knowledge, functional studies have not been reported for this variant. This variant has not been reported in individuals affected with BRCA2-related disorders in the literature. This variant has been identified in 2/232812 chromosomes in the general population by the Genome Aggregation Database (gnomAD). The available evidence is insufficient to determine the role of this variant in disease conclusively. Therefore, this variant is classified as a Variant of Uncertain Significance.

Labcorp Genetics (formerly Invitae), Labcorp
Classification: Uncertain significance for Hereditary breast ovarian cancer syndrome. Last evaluated: 2023-11-14. Review status: criteria provided, single submitter. Criteria: Invitae Variant Classification Sherloc (09022015). Collection method: clinical testing. Allele origin: germline.
Comment: This sequence change replaces phenylalanine, which is neutral and non-polar, with serine, which is neutral and polar, at codon 333 of the BRCA2 protein (p.Phe333Ser). This variant is present in population databases (rs781464949, gnomAD 0.006%). This variant has not been reported in the literature in individuals affected with BRCA2-related conditions. ClinVar contains an entry for this variant (Variation ID: 581000). Advanced modeling of protein sequence and biophysical properties (such as structural, functional, and spatial information, amino acid conservation, physicochemical variation, residue mobility, and thermodynamic stability) performed at Invitae indicates that this missense variant is not expected to disrupt BRCA2 protein function with a negative predictive value of 95%. In summary, the available evidence is currently insufficient to determine the role of this variant in disease. Therefore, it has been classified as a Variant of Uncertain Significance.

University of Washington Department of Laboratory Medicine, University of Washington
Classification: Likely benign for Hereditary cancer-predisposing syndrome. Last evaluated: 2023-03-23. Review status: criteria provided, single submitter. Criteria: Dines et al. (Genet Med. 2020). Collection method: curation. Allele origin: germline.
Comment: Missense variant in a coldspot region where missense variants are very unlikely to be pathogenic (PMID:31911673).

BRCA2 exon 10 coldspot. Reclassification based on statistical prior probability.

NM_000059.4(BRCA2):c.998T>C (p.Phe333Ser)

Gene: BRCA2 (BRCA2 DNA repair associated; plus strand). Cytogenetic location: 13q13.1.
Variant type: single nucleotide variant.
Coding change: c.998T>C on transcript NM_000059.4 (MANE Select); coding-DNA position 998, T replaced by C.
Protein change: p.Phe333Ser; replaces phenylalanine 333 with serine.
Molecular consequence: missense variant.
Genome position (GRCh38, 1-based): chr13:32,332,476, T>C. VCF-style: chr13-32332476-T-C. GRCh37 (hg19) VCF-style: chr13-32906613-T-C.
Other names: short protein forms F333S.
Identifiers: ClinVar variation 581000 (VCV000581000.14), dbSNP rs781464949, ClinGen allele CA6940481.